The following is an entry in ClinVar:

ClinVar aggregate classification (germline): Uncertain significance (1 of 4 stars; one submission).

Conditions:
Early-infantile DEE. Also called: Ohtahara syndrome; Early infantile epileptic encephalopathy with suppression bursts; Early infantile epileptic encephalopathy. Identifiers: Orphanet 1934, MedGen C0393706, MONDO:0800491.

Submission:

Labcorp Genetics (formerly Invitae), Labcorp
Classification: Uncertain significance for Early-infantile DEE. Last evaluated: 2019-12-14. Review status: criteria provided, single submitter. Criteria: Invitae Variant Classification Sherloc (09022015). Collection method: clinical testing. Allele origin: germline.
Comment: In summary, the available evidence is currently insufficient to determine the role of this variant in disease. Therefore, it has been classified as a Variant of Uncertain Significance. Algorithms developed to predict the effect of missense changes on protein structure and function are either unavailable or do not agree on the potential impact of this missense change (SIFT: "Deleterious"; PolyPhen-2: "Probably Damaging"; Align-GVGD: "Class C0"). This variant has not been reported in the literature in individuals with CACNA2D2-related conditions. This variant is not present in population databases (ExAC no frequency). This sequence change replaces phenylalanine with leucine at codon 191 of the CACNA2D2 protein (p.Phe191Leu). The phenylalanine residue is highly conserved and there is a small physicochemical difference between phenylalanine and leucine.

NM_006030.4(CACNA2D2):c.573C>G (p.Phe191Leu)

Gene: CACNA2D2 (calcium voltage-gated channel auxiliary subunit alpha2delta 2; minus strand). Cytogenetic location: 3p21.31.
Variant type: single nucleotide variant.
Coding change: c.573C>G on transcript NM_006030.4 (MANE Select); coding-DNA position 573, C replaced by G.
Protein change: p.Phe191Leu; replaces phenylalanine 191 with leucine.
Molecular consequence: missense variant.
Genome position (GRCh38, 1-based): chr3:50,384,275, G>C on the plus strand (C>G on the coding strand, the complement: CACNA2D2 is on the minus strand). VCF-style: chr3-50384275-G-C. GRCh37 (hg19) VCF-style: chr3-50421706-G-C.
Other names: c.573C>G, p.Phe191Leu (NM_001005505.3, NM_001174051.3); c.366C>G, p.Phe122Leu (NM_001291101.1); short protein forms F122L, F191L.
Identifiers: ClinVar variation 838830 (VCV000838830.9), dbSNP rs1705476619, ClinGen allele CA352944476.
Genomic context (GRCh38, chr3:50,384,275, plus strand): 5'-AGGGATCTGTACAGCCGCGTATGAATAGTTGACCTTGTTCTTGAAGTTTGGGTCCTCGAT[G>C]AAGTCCAGCCTTAGGGTGCTGGCCTTAGACCCCCTTTCCACATCCTCACTCTCAGGGTCG-3'
Protein context (NP_006021.2, residues 181-201): GSKASTLRLD[Phe191Leu]IEDPNFKNKV